The following is an entry in ClinVar:

ClinVar aggregate classification (germline): Uncertain significance (1 of 4 stars; one submission).

Allele frequency attached by ClinVar (database versions not stated): gnomAD exomes below 0.00001; gnomAD 0.00001; TOPMed 0.00003.
gnomAD v4.1: 7 of 1,548,416 alleles (0.00045%); highest among the groups gnomAD compares: African/African-American, 0.0082%; no homozygotes.

Submission:

Labcorp Genetics (formerly Invitae), Labcorp
Classification: Uncertain significance. Last evaluated: 2022-06-26. Review status: criteria provided, single submitter. Criteria: Invitae Variant Classification Sherloc (09022015). Collection method: clinical testing. Allele origin: germline.
Comment: This sequence change replaces glycine, which is neutral and non-polar, with valine, which is neutral and non-polar, at codon 111 of the TBCK protein (p.Gly111Val). This variant has not been reported in the literature in individuals affected with TBCK-related conditions. This variant is present in population databases (no rsID available, gnomAD 0.006%). In summary, the available evidence is currently insufficient to determine the role of this variant in disease. Therefore, it has been classified as a Variant of Uncertain Significance. Algorithms developed to predict the effect of missense changes on protein structure and function are either unavailable or do not agree on the potential impact of this missense change (SIFT: "Deleterious"; PolyPhen-2: "Possibly Damaging"; Align-GVGD: "Class C0").

NM_001163435.3(TBCK):c.332G>T (p.Gly111Val)

Gene: TBCK (TBC1 domain containing kinase; minus strand). Cytogenetic location: 4q24.
Variant type: single nucleotide variant.
Coding change: c.332G>T on transcript NM_001163435.3 (MANE Select); coding-DNA position 332, G replaced by T.
Protein change: p.Gly111Val; replaces glycine 111 with valine.
Molecular consequence: missense variant. On other transcripts: 5 prime UTR variant (1), intron variant (1).
Genome position (GRCh38, 1-based): chr4:106,262,147, C>A on the plus strand (G>T on the coding strand, the complement: TBCK is on the minus strand). VCF-style: chr4-106262147-C-A. GRCh37 (hg19) VCF-style: chr4-107183304-C-A.
Other names: c.332G>T, p.Gly111Val (NM_001163436.4, NM_001163437.3); c.-286G>T (NM_001290768.2); c.267-10140G>T (NM_033115.5); short protein forms G111V.
Identifiers: ClinVar variation 2073906 (VCV002073906.2), dbSNP rs1017048327, ClinGen allele CA103416681.